The following is an entry in ClinVar:

ClinVar aggregate classification (germline): Pathogenic (1 of 4 stars; one submission).

Conditions:
Developmental and epileptic encephalopathy, 9 (DEE9). Also called: Early infantile epileptic encephalopathy 9; JUBERG-HELLMAN SYNDROME; PCDH19-Related X-Linked Female-Limited Epilepsy with Mental Retardation; EPILEPSY, FEMALE-RESTRICTED, WITH MENTAL RETARDATION. Identifiers: Orphanet 101039, Orphanet 2076, MedGen C1848137, MONDO:0010246, OMIM 300088. Disease mechanism: loss of function.

Submission:

Labcorp Genetics (formerly Invitae), Labcorp
Classification: Pathogenic for Developmental and epileptic encephalopathy, 9. Last evaluated: 2025-10-01. Review status: criteria provided, single submitter. Criteria: Invitae Variant Classification Sherloc (09022015). Collection method: clinical testing. Allele origin: germline.
Comment: This sequence change creates a premature translational stop signal (p.Leu406Trpfs*163) in the PCDH19 gene. It is expected to result in an absent or disrupted protein product. Loss-of-function variants in PCDH19 are known to be pathogenic (PMID: 21053371). This variant is not present in population databases (gnomAD no frequency). This variant has not been reported in the literature in individuals affected with PCDH19-related conditions. For these reasons, this variant has been classified as Pathogenic.

Literature cited by the submitters: PubMed 21053371.

NM_001184880.2(PCDH19):c.1216del (p.Leu406fs)

Gene: PCDH19 (protocadherin 19; minus strand). Cytogenetic location: Xq22.1.
Variant type: Deletion.
Coding change: c.1216del on transcript NM_001184880.2 (MANE Select); coding-DNA position 1216, one base deleted (C; older notation c.1216delC).
Protein change: p.Leu406fs; shifts the reading frame from leucine 406.
Molecular consequence: frameshift variant.
Genome position (GRCh38, 1-based): chrX:100,407,382, G deleted on the plus strand (C on the coding strand, the reverse complement: PCDH19 is on the minus strand). VCF-style (leftmost placement, unchanged base first): chrX-100407381-AG-A. GRCh37 (hg19) VCF-style: chrX-99662379-AG-A.
Other names: c.1216del, p.Leu406fs (NM_001105243.2, NM_020766.3); short protein forms L406fs.
Identifiers: ClinVar variation 4728233 (VCV004728233.1).